The following is an entry in ClinVar:

NM_007289.4(MME):c.1609A>C (p.Ser537Arg)

Gene: MME (membrane metalloendopeptidase; plus strand). Cytogenetic location: 3q25.2.
Variant type: single nucleotide variant.
Coding change: c.1609A>C on transcript NM_007289.4 (MANE Select); coding-DNA position 1609, A replaced by C.
Protein change: p.Ser537Arg; replaces serine 537 with arginine.
Molecular consequence: missense variant.
Genome position (GRCh38, 1-based): chr3:155,160,397, A>C. VCF-style: chr3-155160397-A-C. GRCh37 (hg19) VCF-style: chr3-154878186-A-C.
Other names: c.1609A>C, p.Ser537Arg (NM_000902.5, NM_001354642.2, NM_001354643.1 and 2 more transcripts); short protein forms S537R.
Identifiers: ClinVar variation 1379349 (VCV001379349.6), dbSNP rs2108350900, ClinGen allele CA355217969.

ClinVar aggregate classification (germline): Uncertain significance (1 of 4 stars; one submission).

Submission:

Labcorp Genetics (formerly Invitae), Labcorp
Classification: Uncertain significance. Last evaluated: 2021-11-16. Review status: criteria provided, single submitter. Criteria: Invitae Variant Classification Sherloc (09022015). Collection method: clinical testing. Allele origin: germline.
Comment: This sequence change replaces serine, which is neutral and polar, with arginine, which is basic and polar, at codon 537 of the MME protein (p.Ser537Arg). This variant is not present in population databases (gnomAD no frequency). This variant has not been reported in the literature in individuals affected with MME-related conditions. Algorithms developed to predict the effect of missense changes on protein structure and function (SIFT, PolyPhen-2, Align-GVGD) all suggest that this variant is likely to be tolerated. In summary, the available evidence is currently insufficient to determine the role of this variant in disease. Therefore, it has been classified as a Variant of Uncertain Significance.